The following is an entry in ClinVar:

ClinVar aggregate classification (germline): Conflicting classifications of pathogenicity. Review status: criteria provided, conflicting classifications (1 of 4 stars). 3 submissions from 3 submitters: Uncertain significance (2); Likely benign (1). Last evaluated 2025-02-05.

Conditions:
Cardiovascular phenotype. Identifiers: MedGen CN230736.

Submissions (3):

Ambry Genetics
Classification: Uncertain significance for Cardiovascular phenotype. Last evaluated: 2025-02-05. Review status: criteria provided, single submitter. Criteria: Ambry Variant Classification Scheme 2023. Collection method: clinical testing. Allele origin: germline.
Comment: The c.59056_59058delGAA variant (also known as p.E19686del) is located in coding exon 153 of the TTN gene. This variant results from an in-frame GAA deletion at nucleotide positions 59056 to 59058. This results in the in-frame deletion of a glutamic acid at codon 19686. This amino acid position is highly conserved in available vertebrate species. In addition, this alteration is predicted to be deleterious by in silico analysis (Choi Y et al. PLoS ONE. 2012; 7(10):e46688). Based on the available evidence, the clinical significance of this variant remains unclear.

Blueprint Genetics
Classification: Likely benign. Last evaluated: 2024-10-01. Review status: criteria provided, single submitter. Criteria: ACMG Guidelines, 2015. Collection method: clinical testing. Allele origin: germline.

Eurofins Ntd Llc (ga)
Classification: Uncertain significance. Last evaluated: 2018-03-23. Review status: criteria provided, single submitter. Criteria: EGL ClinVar v180209 classification definitions. Collection method: clinical testing. Allele origin: germline. Observed: 1 variant allele, 1 heterozygote.

NM_001267550.2(TTN):c.86245GAA[2] (p.Glu28751del)

Genes: TTN (titin; minus strand), TTN-AS1 (TTN antisense RNA 1; plus strand). Cytogenetic location: 2q31.2.
Variant type: Microsatellite.
Coding change: c.86245GAA[2] on transcript NM_001267550.2 (MANE Select); two copies in a row of the 3-base unit GAA starting at c.86245; the reference has three copies in a row; one copy, 3 bases deleted.
Protein change: p.Glu28751del; deletes glutamic acid 28751.
Molecular consequence: inframe deletion.
Genome position (GRCh38, 1-based): chr2:178,559,879-178,559,881, TTC deleted on the plus strand (GAA on the coding strand, the reverse complement: TTN is on the minus strand); deleting any 3 consecutive bases within chr2:178,559,879-178,559,888 gives the same sequence; the position shown is the placement nearest the transcript's 3' end. VCF-style (leftmost placement, unchanged base first): chr2-178559878-GTTC-G. GRCh37 (hg19) VCF-style: chr2-179424605-GTTC-G.
Other names: c.81322GAA[2], p.Glu27110del (NM_001256850.1); c.59050GAA[2], p.Glu19686del (NM_003319.4); c.78541GAA[2], p.Glu26183del (NM_133378.4); c.59425GAA[2], p.Glu19811del (NM_133432.3); c.59626GAA[2], p.Glu19878del (NM_133437.4); c.59056_59058delGAA (NM_003319.4); short protein forms E26183del, E28751del, E27110del, E19686del, E19811del, E19878del.
Identifiers: ClinVar variation 596545 (VCV000596545.7), dbSNP rs769287686, ClinGen allele CA1988530.